The following is an entry in ClinVar:

NM_001142416.2(AIMP1):c.223+1G>A

Gene: AIMP1 (aminoacyl tRNA synthetase complex interacting multifunctional protein 1; plus strand). Cytogenetic location: 4q24.
Variant type: single nucleotide variant.
Coding change: c.223+1G>A on transcript NM_001142416.2 (MANE Select); the canonical splice donor site of the intron after coding-DNA position 223, G replaced by A.
Molecular consequence: splice donor variant.
Genome position (GRCh38, 1-based): chr4:106,327,565, G>A. VCF-style: chr4-106327565-G-A. GRCh37 (hg19) VCF-style: chr4-107248722-G-A.
Other names: c.223+1G>A (NM_001142415.2, NM_004757.4).
Identifiers: ClinVar variation 2579589 (VCV002579589.1), dbSNP rs913064158, ClinGen allele CA103423954.

ClinVar aggregate classification (germline): Likely pathogenic (1 of 4 stars; one submission).

gnomAD v4.1: 6 of 1,602,044 alleles (0.00037%); highest among the groups gnomAD compares: South Asian, 0.0011%; no homozygotes.

Submission:

GeneDx
Classification: Likely pathogenic. Last evaluated: 2023-09-02. Review status: criteria provided, single submitter. Criteria: GeneDx Variant Classification Process June 2021. Collection method: clinical testing. Allele origin: germline. Affected: yes.
Comment: Canonical splice site variant predicted to result in an in-frame loss of the adjacent exon in a gene for which loss of function is a known mechanism of disease; Not observed at significant frequency in large population cohorts (gnomAD); Has not been previously published as pathogenic or benign to our knowledge